The following is an entry in ClinVar:

NC_012920.1(MT-ND4):m.11393C>T

Gene: MT-ND4 (mitochondrially encoded NADH dehydrogenase 4; plus strand).
Variant type: single nucleotide variant.
Genome position: chrM-11393-C-T.
Identifiers: ClinVar variation 693365 (VCV000693365.1), dbSNP rs1603223277, ClinGen allele CA414810097.

ClinVar aggregate classification (germline): Uncertain significance (1 of 4 stars; one submission).

Conditions:
Leigh syndrome (NULS). Also called: Leigh's necrotizing encephalopathy; Leigh's disease; Leigh Syndrome (mtDNA deletion); Leigh Disease; Subacute necrotizing encephalopathy; Necrotizing encephalopathy infantile subacute of Leigh. Identifiers: Orphanet 506, MedGen C2931891, MONDO:0009723, OMIM 256000.

Submission:

Wong Mito Lab, Molecular and Human Genetics, Baylor College of Medicine
Classification: Uncertain significance for Leigh syndrome. Last evaluated: 2019-10-17. Review status: criteria provided, single submitter. Criteria: Modified ACMG Guidelines (Unpublished). Collection method: clinical testing. Allele origin: germline.
Comment: The NC_012920.1:m.11393C>T (YP_003024035.1:p.Leu212Phe) variant in MTND4 gene is interpretated to be a Uncertain Significance variant based on the modified ACMG guidelines (unpublished). This variant meets the following evidence codes: no criteria